The following is an entry in ClinVar:

ClinVar aggregate classification (germline): Conflicting classifications of pathogenicity. Review status: criteria provided, conflicting classifications (1 of 4 stars). 6 submissions from 6 submitters: Uncertain significance (3); Likely benign (3). Last evaluated 2026-04-22.

Conditions:
Cardiovascular phenotype. Identifiers: MedGen CN230736.
Ehlers-Danlos syndrome (EDS). Identifiers: Orphanet 98249, MedGen C0013720, MONDO:0020066.
TNXB-related disorder. Also called: TNXB-related condition.

Allele frequency attached by ClinVar (database versions not stated): gnomAD exomes 0.00006 and 0.00016; ExAC 0.00014; gnomAD 0.00058 and 0.00061; 1000 Genomes Project 0.00060; ESP Exome Variant Server 0.00061; 1000 Genomes Project 30x 0.00062; TOPMed 0.00063.
gnomAD v4.1: 180 of 1,612,244 alleles (0.011%); highest among the groups gnomAD compares: African/African-American, 0.18%; no homozygotes.

Submissions (6):

Women's Health and Genetics/Laboratory Corporation of America, LabCorp
Classification: Likely benign. Last evaluated: 2026-04-22. Review status: criteria provided, single submitter. Criteria: LabCorp Variant Classification Summary - May 2015. Collection method: clinical testing. Allele origin: germline.
Comment: Variant summary: TNXB c.10105G>A (p.Val3369Met) results in a conservative amino acid change in the encoded protein sequence. Algorithms developed to predict the effect of missense changes on protein structure and function all suggest that this variant is likely to be tolerated. The variant allele was found at a frequency of 0.00016 in 245782 control chromosomes, predominantly at a frequency of 0.0017 within the African or African-American subpopulation in the gnomAD database. The observed variant frequency within African or African-American control individuals in the gnomAD database exceeds the estimated maximal expected allele frequency for disease-causing variants in TNXB. To our knowledge, no occurrence of c.10105G>A in individuals affected with TNXB-related conditions and no experimental evidence demonstrating its impact on protein function have been reported. ClinVar contains an entry for this variant (Variation ID: 1205097). Based on the evidence outlined above, the variant was classified as likely benign.

GeneDx
Classification: Uncertain significance. Last evaluated: 2026-02-10. Review status: criteria provided, single submitter. Criteria: GeneDx Variant Classification Process June 2021. Collection method: clinical testing. Allele origin: germline. Affected: yes.
Comment: In silico analysis suggests that this missense variant does not alter protein structure/function; Has not been previously published as pathogenic or benign to our knowledge; Has been observed on the same allele (in cis) with p.(S3382C) in several individuals

PreventionGenetics, part of Exact Sciences
Classification: Likely benign for TNXB-related condition. Last evaluated: 2025-12-18. Review status: criteria provided, single submitter. Criteria: ACMG Guidelines, 2015. Collection method: clinical testing. Allele origin: germline.
Comment: This variant is classified as likely benign based on ACMG/AMP sequence variant interpretation guidelines (Richards et al. 2015 PMID: 25741868, with internal and published modifications).

Mayo Clinic Laboratories, Mayo Clinic
Classification: Uncertain significance. Last evaluated: 2025-05-20. Review status: criteria provided, single submitter. Criteria: ACMG Guidelines, 2015. Collection method: clinical testing. Allele origin: germline. Observed: 2 variant alleles.
Comment: BP4_moderate

Ambry Genetics
Classification: Likely benign for Cardiovascular phenotype. Last evaluated: 2025-01-09. Review status: criteria provided, single submitter. Criteria: Ambry Variant Classification Scheme 2023. Collection method: clinical testing. Allele origin: germline.

Genome Diagnostics Laboratory, The Hospital for Sick Children
Classification: Uncertain significance for Ehlers-Danlos syndrome. Last evaluated: 2020-06-01. Review status: criteria provided, single submitter. Criteria: ACMG Guidelines, 2015. Collection method: clinical testing. Allele origin: germline.

NM_001365276.2(TNXB):c.10111G>A (p.Val3371Met)

Gene: TNXB (tenascin XB; minus strand). Cytogenetic location: 6p21.33.
Variant type: single nucleotide variant.
Coding change: c.10111G>A on transcript NM_001365276.2 (MANE Select); coding-DNA position 10111, G replaced by A.
Protein change: p.Val3371Met; replaces valine 3371 with methionine.
Molecular consequence: missense variant.
Genome position (GRCh38, 1-based): chr6:32,047,947, C>T on the plus strand (G>A on the coding strand, the complement: TNXB is on the minus strand). VCF-style: chr6-32047947-C-T. GRCh37 (hg19) VCF-style: chr6-32015724-C-T.
Other names: p.Val3369Met; c.10105G>A, p.Val3369Met (NM_019105.8); short protein forms V3369M, V3371M.
Identifiers: ClinVar variation 1205097 (VCV001205097.17), dbSNP rs201155046, ClinGen allele CA3733305.